The following is an entry in ClinVar:

ClinVar aggregate classification (germline): Uncertain significance. Review status: criteria provided, multiple submitters, no conflicts (2 of 4 stars). 3 submissions from 3 submitters: Uncertain significance (3). Last evaluated 2026-02-26.

Conditions:
Inborn genetic diseases. Identifiers: MedGen C0950123, MeSH D030342.
Junctional epidermolysis bullosa, non-Herlitz type. Also called: Adult junctional epidermolysis bullosa; EPIDERMOLYSIS BULLOSA JUNCTIONALIS, DISENTIS TYPE; EPIDERMOLYSIS BULLOSA JUNCTIONALIS, NON-HERLITZ TYPE; EPIDERMOLYSIS BULLOSA JUNCTIONALIS, PROGRESSIVE; EPIDERMOLYSIS BULLOSA JUNCTIONALIS, SEVERE NONLETHAL; Epidermolysis bullosa, junctional, non-herlitz type, somatic mosaic revertant. Identifiers: Orphanet 251393, Orphanet 79402, Orphanet 79405, Orphanet 89840, MedGen C0268374, MONDO:0009180, OMIM 226650.

Allele frequency attached by ClinVar (database versions not stated): gnomAD 0.00001; gnomAD exomes 0.00002 and 0.00003; TOPMed 0.00002; ESP Exome Variant Server 0.00008; ExAC 0.00005.
gnomAD v4.1: 28 of 1,612,544 alleles (0.0017%); highest among the groups gnomAD compares: East Asian, 0.0022%; no homozygotes.

Submissions (3):

Ambry Genetics
Classification: Uncertain significance for Inborn genetic diseases. Last evaluated: 2026-02-26. Review status: criteria provided, single submitter. Criteria: Ambry Variant Classification Scheme 2023. Collection method: clinical testing. Allele origin: germline.
Comment: The c.2371G>A (p.G791S) alteration is located in exon 33 (coding exon 32) of the COL17A1 gene. This alteration results from a G to A substitution at nucleotide position 2371, causing the glycine (G) at amino acid position 791 to be replaced by a serine (S). Based on data from gnomAD, the A allele has an overall frequency of 0.004% (10/282886) total alleles studied. The highest observed frequency was 0.01% (2/19954) of East Asian alleles. Based on insufficient or conflicting evidence, the clinical significance of this alteration remains unclear.

Labcorp Genetics (formerly Invitae), Labcorp
Classification: Uncertain significance. Last evaluated: 2025-07-29. Review status: criteria provided, single submitter. Criteria: Invitae Variant Classification Sherloc (09022015). Collection method: clinical testing. Allele origin: germline.
Comment: This sequence change replaces glycine, which is neutral and non-polar, with serine, which is neutral and polar, at codon 791 of the COL17A1 protein (p.Gly791Ser). This variant is present in population databases (rs375127939, gnomAD 0.01%). This variant has not been reported in the literature in individuals affected with COL17A1-related conditions. ClinVar contains an entry for this variant (Variation ID: 298714). Invitae Evidence Modeling of protein sequence and biophysical properties (such as structural, functional, and spatial information, amino acid conservation, physicochemical variation, residue mobility, and thermodynamic stability) indicates that this missense variant is expected to disrupt COL17A1 protein function with a positive predictive value of 80%. In summary, the available evidence is currently insufficient to determine the role of this variant in disease. Therefore, it has been classified as a Variant of Uncertain Significance.

Illumina Laboratory Services, Illumina
Classification: Uncertain significance for Junctional epidermolysis bullosa, non-Herlitz type. Last evaluated: 2018-01-13. Review status: criteria provided, single submitter. Criteria: ICSL Variant Classification Criteria 13 December 2019. Collection method: clinical testing. Allele origin: germline.

NM_000494.4(COL17A1):c.2371G>A (p.Gly791Ser)

Gene: COL17A1 (collagen type XVII alpha 1 chain; minus strand). Cytogenetic location: 10q25.1.
Variant type: single nucleotide variant.
Coding change: c.2371G>A on transcript NM_000494.4 (MANE Select); coding-DNA position 2371, G replaced by A.
Protein change: p.Gly791Ser; replaces glycine 791 with serine.
Molecular consequence: missense variant.
Genome position (GRCh38, 1-based): chr10:104,045,785, C>T on the plus strand (G>A on the coding strand, the complement: COL17A1 is on the minus strand). VCF-style: chr10-104045785-C-T. GRCh37 (hg19) VCF-style: chr10-105805543-C-T.
Other names: c.2371G>A, p.Gly791Ser (LRG_1249t1); short protein forms G791S.
Identifiers: ClinVar variation 298714 (VCV000298714.7), dbSNP rs375127939, ClinGen allele CA5678514.